The following is an entry in ClinVar:

ClinVar aggregate classification (germline): Uncertain significance (1 of 4 stars; one submission).

Conditions:
Hereditary pulmonary alveolar proteinosis. Also called: Pulmonary surfactant metabolism dysfunction. Identifiers: Orphanet 264675, MedGen C3711368, MONDO:0012580.

Allele frequency attached by ClinVar (database versions not stated): TOPMed below 0.00001; ExAC 0.00002; gnomAD exomes 0.00002.
gnomAD v4.1: 27 of 1,613,532 alleles (0.0017%); highest among the groups gnomAD compares: Non-Finnish European, 0.0023%; no homozygotes.

Submission:

Ambry Genetics
Classification: Uncertain significance for Hereditary pulmonary alveolar proteinosis. Last evaluated: 2021-09-26. Review status: criteria provided, single submitter. Criteria: Ambry Variant Classification Scheme 2023. Collection method: clinical testing. Allele origin: germline.
Comment: The p.R701W variant (also known as c.2101A>T), located in coding exon 14 of the ABCA3 gene, results from an A to T substitution at nucleotide position 2101. The arginine at codon 701 is replaced by tryptophan, an amino acid with dissimilar properties. This amino acid position is conserved. In addition, this alteration is predicted to be deleterious by in silico analysis. Since supporting evidence is limited at this time, the clinical significance of this alteration remains unclear.

NM_001089.3(ABCA3):c.2101A>T (p.Arg701Trp)

Gene: ABCA3 (ATP binding cassette subfamily A member 3; minus strand). Cytogenetic location: 16p13.3.
Variant type: single nucleotide variant.
Coding change: c.2101A>T on transcript NM_001089.3 (MANE Select); coding-DNA position 2101, A replaced by T.
Protein change: p.Arg701Trp; replaces arginine 701 with tryptophan.
Molecular consequence: missense variant.
Genome position (GRCh38, 1-based): chr16:2,297,491, T>A on the plus strand (A>T on the coding strand, the complement: ABCA3 is on the minus strand). VCF-style: chr16-2297491-T-A. GRCh37 (hg19) VCF-style: chr16-2347492-T-A.
Other names: short protein forms R701W.
Identifiers: ClinVar variation 3232696 (VCV003232696.1), dbSNP rs773728596, ClinGen allele CA7840948.